The following is an entry in ClinVar:

NM_199420.4(POLQ):c.2567G>T (p.Arg856Leu)

Gene: POLQ (DNA polymerase theta; minus strand). Cytogenetic location: 3q13.33.
Variant type: single nucleotide variant.
Coding change: c.2567G>T on transcript NM_199420.4 (MANE Select); coding-DNA position 2567, G replaced by T.
Protein change: p.Arg856Leu; replaces arginine 856 with leucine.
Molecular consequence: missense variant.
Genome position (GRCh38, 1-based): chr3:121,490,364, C>A on the plus strand (G>T on the coding strand, the complement: POLQ is on the minus strand). VCF-style: chr3-121490364-C-A. GRCh37 (hg19) VCF-style: chr3-121209211-C-A.
Other names: short protein forms R856L.
Identifiers: ClinVar variation 1793180 (VCV001793180.2), dbSNP rs773185649, ClinGen allele CA2563213.

ClinVar aggregate classification (germline): Uncertain significance (1 of 4 stars; one submission).

Allele frequency attached by ClinVar (database versions not stated): ExAC 0.00001.
gnomAD v4.1: 2 of 1,614,252 alleles (0.00012%); highest among the groups gnomAD compares: Non-Finnish European, 0.00017%; no homozygotes.

Submission:

Ambry Genetics
Classification: Uncertain significance. Last evaluated: 2022-02-13. Review status: criteria provided, single submitter. Criteria: Ambry Variant Classification Scheme 2023. Collection method: clinical testing. Allele origin: germline.
Comment: The p.R856L variant (also known as c.2567G>T), located in coding exon 16 of the POLQ gene, results from a G to T substitution at nucleotide position 2567. The arginine at codon 856 is replaced by leucine, an amino acid with dissimilar properties. This amino acid position is conserved. In addition, the in silico prediction for this alteration is inconclusive. Since supporting evidence is limited at this time, the clinical significance of this alteration remains unclear.